The following is an entry in ClinVar:

NM_001385012.1(NBEA):c.5455A>G (p.Thr1819Ala)

Gene: NBEA (neurobeachin; plus strand). Cytogenetic location: 13q13.3.
Variant type: single nucleotide variant.
Coding change: c.5455A>G on transcript NM_001385012.1 (MANE Select); coding-DNA position 5455, A replaced by G.
Protein change: p.Thr1819Ala; replaces threonine 1819 with alanine.
Molecular consequence: missense variant.
Genome position (GRCh38, 1-based): chr13:35,208,788, A>G. VCF-style: chr13-35208788-A-G. GRCh37 (hg19) VCF-style: chr13-35782925-A-G.
Other names: c.5446A>G, p.Thr1816Ala (NM_001379245.1); c.5455A>G, p.Thr1819Ala (NM_015678.5); short protein forms T1816A, T1819A.
Identifiers: ClinVar variation 3357619 (VCV003357619.1).

ClinVar aggregate classification (germline): Likely benign (0 of 4 stars; one submission).

Conditions:
NBEA-related disorder. Also called: NBEA-related condition.

gnomAD v4.1: 11 of 1,610,906 alleles (0.00068%); highest among the groups gnomAD compares: Admixed American, 0.0033%; no homozygotes.

Submission:

PreventionGenetics, part of Exact Sciences
Classification: Likely benign for NBEA-related condition. Last evaluated: 2024-05-15. Review status: no assertion criteria provided. Collection method: clinical testing. Allele origin: germline.
Comment: This variant is classified as likely benign based on ACMG/AMP sequence variant interpretation guidelines (Richards et al. 2015 PMID: 25741868, with internal and published modifications).